The following is an entry in ClinVar:

NM_020762.4(SRGAP1):c.2279G>A (p.Arg760Lys)

Gene: SRGAP1 (SLIT-ROBO Rho GTPase activating protein 1; plus strand). Cytogenetic location: 12q14.2.
Variant type: single nucleotide variant.
Coding change: c.2279G>A on transcript NM_020762.4 (MANE Select); coding-DNA position 2279, G replaced by A.
Protein change: p.Arg760Lys; replaces arginine 760 with lysine.
Molecular consequence: missense variant.
Genome position (GRCh38, 1-based): chr12:64,126,031, G>A. VCF-style: chr12-64126031-G-A. GRCh37 (hg19) VCF-style: chr12-64519811-G-A.
Other names: c.2210G>A, p.Arg737Lys (NM_001346201.2); short protein forms R737K, R760K.
Identifiers: ClinVar variation 3031096 (VCV003031096.2), dbSNP rs1446124416, ClinGen allele CA385587342.

ClinVar aggregate classification (germline): Uncertain significance (0 of 4 stars; one submission).

Conditions:
SRGAP1-related disorder. Also called: SRGAP1-related condition.

Allele frequency attached by ClinVar (database versions not stated): gnomAD exomes 0.00002.
gnomAD v4.1: 12 of 1,614,208 alleles (0.00074%); highest among the groups gnomAD compares: Non-Finnish European, 0.001%; no homozygotes.

Submission:

PreventionGenetics, part of Exact Sciences
Classification: Uncertain significance for SRGAP1-related condition. Last evaluated: 2024-01-30. Review status: no assertion criteria provided. Collection method: clinical testing. Allele origin: germline.
Comment: The SRGAP1 c.2279G>A variant is predicted to result in the amino acid substitution p.Arg760Lys. To our knowledge, this variant has not been reported in the literature. This variant is reported in 0.00088% of alleles in individuals of European (Non-Finnish) descent in gnomAD. At this time, the clinical significance of this variant is uncertain due to the absence of conclusive functional and genetic evidence.